The following is an entry in ClinVar:

ClinVar aggregate classification (germline): Uncertain significance. Review status: criteria provided, multiple submitters, no conflicts (2 of 4 stars). 3 submissions from 3 submitters: Uncertain significance (3). Last evaluated 2024-11-24.

Conditions:
Cardiomyopathy (CMYO). Also called: Cardiomyopathies. Identifiers: Orphanet 167848, MedGen C0878544, MONDO:0004994, HP:0001638. Inheritance: Various modes of inheritance.
Catecholaminergic polymorphic ventricular tachycardia 1. Also called: VENTRICULAR TACHYCARDIA, CATECHOLAMINERGIC POLYMORPHIC, 1, WITH OR WITHOUT ATRIAL DYSFUNCTION AND/OR DILATED CARDIOMYOPATHY; RYR2-Related Catecholaminergic Polymorphic Ventricular Tachycardia; VENTRICULAR TACHYCARDIA, STRESS-INDUCED POLYMORPHIC 1. Identifiers: Orphanet 3286, MedGen C1631597, MONDO:0011484, OMIM 604772.

gnomAD v4.1: 1 of 1,613,754 alleles (0.000062%); highest among the groups gnomAD compares: South Asian, 0.0011%; no homozygotes.

Submissions (3):

Labcorp Genetics (formerly Invitae), Labcorp
Classification: Uncertain significance for Catecholaminergic polymorphic ventricular tachycardia 1. Last evaluated: 2024-11-24. Review status: criteria provided, single submitter. Criteria: Invitae Variant Classification Sherloc (09022015). Collection method: clinical testing. Allele origin: germline.
Comment: This sequence change replaces histidine, which is basic and polar, with leucine, which is neutral and non-polar, at codon 4552 of the RYR2 protein (p.His4552Leu). This variant is not present in population databases (gnomAD no frequency). This variant has not been reported in the literature in individuals affected with RYR2-related conditions. ClinVar contains an entry for this variant (Variation ID: 921078). Invitae Evidence Modeling of protein sequence and biophysical properties (such as structural, functional, and spatial information, amino acid conservation, physicochemical variation, residue mobility, and thermodynamic stability) indicates that this missense variant is not expected to disrupt RYR2 protein function with a negative predictive value of 95%. In summary, the available evidence is currently insufficient to determine the role of this variant in disease. Therefore, it has been classified as a Variant of Uncertain Significance.

Color Diagnostics, LLC DBA Color Health
Classification: Uncertain significance for Cardiomyopathy. Last evaluated: 2024-03-06. Review status: criteria provided, single submitter. Criteria: ACMG Guidelines, 2015. Collection method: clinical testing. Allele origin: germline.
Comment: This missense variant replaces histidine with leucine at codon 4552 of the RYR2 protein. Computational prediction suggests that this variant may not impact protein structure and function (internally defined REVEL score threshold <= 0.5, PMID: 27666373). Splice site prediction tools suggest that this variant may not impact RNA splicing. To our knowledge, functional studies have not been performed for this variant. This variant has not been reported in individuals affected with cardiovascular disorders in the literature. This variant has not been identified in the general population by the Genome Aggregation Database (gnomAD). The available evidence is insufficient to determine the role of this variant in disease conclusively. Therefore, this variant is classified as a Variant of Uncertain Significance.

Revvity Omics, Revvity
Classification: Uncertain significance. Last evaluated: 2021-02-02. Review status: criteria provided, single submitter. Criteria: ACMG Guidelines, 2015. Collection method: clinical testing. Allele origin: germline.

NM_001035.3(RYR2):c.13655A>T (p.His4552Leu)

Gene: RYR2 (ryanodine receptor 2; plus strand). Cytogenetic location: 1q43.
Variant type: single nucleotide variant.
Coding change: c.13655A>T on transcript NM_001035.3 (MANE Select); coding-DNA position 13655, A replaced by T.
Protein change: p.His4552Leu; replaces histidine 4552 with leucine.
Molecular consequence: missense variant.
Genome position (GRCh38, 1-based): chr1:237,792,196, A>T. VCF-style: chr1-237792196-A-T. GRCh37 (hg19) VCF-style: chr1-237955496-A-T.
Other names: c.13655A>T (NM_001035.2); short protein forms H4552L.
Identifiers: ClinVar variation 921078 (VCV000921078.9), dbSNP rs768299786, ClinGen allele CA345417449.